The following is an entry in ClinVar:

NM_000334.4(SCN4A):c.3598A>G (p.Ile1200Val)

Genes: GH-LCR (growth hormone locus control region; plus strand), SCN4A (sodium voltage-gated channel alpha subunit 4; minus strand). Cytogenetic location: 17q23.3.
Variant type: single nucleotide variant.
Coding change: c.3598A>G on transcript NM_000334.4 (MANE Select); coding-DNA position 3598, A replaced by G.
Protein change: p.Ile1200Val; replaces isoleucine 1200 with valine.
Molecular consequence: missense variant.
Genome position (GRCh38, 1-based): chr17:63,945,482, T>C on the plus strand (A>G on the coding strand, the complement: SCN4A is on the minus strand). VCF-style: chr17-63945482-T-C. GRCh37 (hg19) VCF-style: chr17-62022842-T-C.
Other names: short protein forms I1200V.
Identifiers: ClinVar variation 2885403 (VCV002885403.4), dbSNP rs868832929, ClinGen allele CA292961666.

ClinVar aggregate classification (germline): Uncertain significance. Review status: criteria provided, multiple submitters, no conflicts (2 of 4 stars). 2 submissions from 2 submitters: Uncertain significance (2). Last evaluated 2025-12-14.

Conditions:
Hyperkalemic periodic paralysis. Also called: Familial hyperkalemic periodic paralysis; Gamstorp disease. Identifiers: Orphanet 682, MedGen C0238357, MONDO:0008224, OMIM 170500, HP:0007215.

Allele frequency attached by ClinVar (database versions not stated): gnomAD 0.00001; gnomAD exomes 0.00001; TOPMed 0.00003.

Submissions (2):

Labcorp Genetics (formerly Invitae), Labcorp
Classification: Uncertain significance for Hyperkalemic periodic paralysis. Last evaluated: 2025-12-14. Review status: criteria provided, single submitter. Criteria: Invitae Variant Classification Sherloc (09022015). Collection method: clinical testing. Allele origin: germline.
Comment: This sequence change replaces isoleucine, which is neutral and non-polar, with valine, which is neutral and non-polar, at codon 1200 of the SCN4A protein (p.Ile1200Val). This variant is not present in population databases (gnomAD no frequency). This variant has not been reported in the literature in individuals affected with SCN4A-related conditions. ClinVar contains an entry for this variant (Variation ID: 2885403). Invitae Evidence Modeling of protein sequence and biophysical properties (such as structural, functional, and spatial information, amino acid conservation, physicochemical variation, residue mobility, and thermodynamic stability) indicates that this missense variant is not expected to disrupt SCN4A protein function with a negative predictive value of 95%. In summary, the available evidence is currently insufficient to determine the role of this variant in disease. Therefore, it has been classified as a Variant of Uncertain Significance.

Revvity Omics, Revvity
Classification: Uncertain significance. Last evaluated: 2025-01-21. Review status: criteria provided, single submitter. Criteria: ACMG Guidelines, 2015. Collection method: clinical testing. Allele origin: germline.